The following is an entry in ClinVar:

ClinVar aggregate classification (germline): Uncertain significance (1 of 4 stars; one submission).

Conditions:
Familial acute necrotizing encephalopathy (IIAE3). Also called: ENCEPHALOPATHY, ACUTE, INFECTION-INDUCED, SUSCEPTIBILITY TO, 3; Susceptibility to Acute Necrotizing Encephalopathy 1. Identifiers: Orphanet 88619, MedGen C2675556, MONDO:0011953, OMIM 608033.

Allele frequency attached by ClinVar (database versions not stated): gnomAD exomes below 0.00001 and 0.00001; ExAC 0.00001; TOPMed 0.00001; gnomAD 0.00002; 1000 Genomes Project 30x 0.00016; 1000 Genomes Project 0.00020.
gnomAD v4.1: 6 of 1,597,512 alleles (0.00038%); highest among the groups gnomAD compares: African/African-American, 0.0067%; no homozygotes.

Submission:

Labcorp Genetics (formerly Invitae), Labcorp
Classification: Uncertain significance for Familial acute necrotizing encephalopathy. Last evaluated: 2020-03-11. Review status: criteria provided, single submitter. Criteria: Invitae Variant Classification Sherloc (09022015). Collection method: clinical testing. Allele origin: germline.
Comment: In summary, the available evidence is currently insufficient to determine the role of this variant in disease. Therefore, it has been classified as a Variant of Uncertain Significance. Algorithms developed to predict the effect of missense changes on protein structure and function are either unavailable or do not agree on the potential impact of this missense change (SIFT: "Deleterious"; PolyPhen-2: "Benign"; Align-GVGD: "Class C35"). This variant has not been reported in the literature in individuals with RANBP2-related conditions. The frequency data for this variant in the population databases is considered unreliable, as metrics indicate poor data quality at this position in the ExAC database. This sequence change replaces glutamine with arginine at codon 325 of the RANBP2 protein (p.Gln325Arg). The glutamine residue is highly conserved and there is a small physicochemical difference between glutamine and arginine.

NM_006267.5(RANBP2):c.974A>G (p.Gln325Arg)

Gene: RANBP2 (RAN binding protein 2; plus strand). Cytogenetic location: 2q13.
Variant type: single nucleotide variant.
Coding change: c.974A>G on transcript NM_006267.5 (MANE Select); coding-DNA position 974, A replaced by G.
Protein change: p.Gln325Arg; replaces glutamine 325 with arginine.
Molecular consequence: missense variant.
Genome position (GRCh38, 1-based): chr2:108,740,680, A>G. VCF-style: chr2-108740680-A-G. GRCh37 (hg19) VCF-style: chr2-109357136-A-G.
Other names: short protein forms Q325R.
Identifiers: ClinVar variation 943808 (VCV000943808.8), dbSNP rs547648155, ClinGen allele CA1822179.